The following is an entry in ClinVar:

ClinVar aggregate classification (germline): Likely pathogenic (1 of 4 stars; one submission).

Conditions:
Intellectual developmental disorder with autism and macrocephaly. Also called: Autism, susceptibility to, 18; CHD8-Related Neurodevelopmental Disorder with Overgrowth. Identifiers: Orphanet 642675, MedGen C3554373, MONDO:0014017, OMIM 615032.

Submission:

Molecular Genetics Department, Kulakov National Medical Research Center for Obstetrics, Gynecology and Perinatology
Classification: Likely pathogenic for Intellectual developmental disorder with autism and macrocephaly. Review status: criteria provided, single submitter. Criteria: ACMG Guidelines, 2015. Collection method: clinical testing. Allele origin: germline. Affected: yes. Observed: 1 variant allele.
Comment: A previously undescribed heterozygous nucleotide variant creates a frameshift p.Cys1483LeufsTer16 in the CHD8 gene. Heterozygous variants of this type are reported in patients with intellectual developmental disorder with autism and macrocephaly, 615032. The variant is not present in population database (gnomAD no frequency). In summary, the currently available evidence indicates that the variant is pathogenic, but additional data are needed to prove that conclusively. Therefore, this variant has been classified as likely pathogenic.

NM_001170629.2(CHD8):c.4447dup (p.Cys1483fs)

Gene: CHD8 (chromodomain helicase DNA binding protein 8; minus strand). Cytogenetic location: 14q11.2.
Variant type: Duplication.
Coding change: c.4447dup on transcript NM_001170629.2 (MANE Select); coding-DNA position 4447, one base duplicated (T; older notation c.4447dupT).
Protein change: p.Cys1483fs; shifts the reading frame from cysteine 1483.
Molecular consequence: frameshift variant.
Genome position (GRCh38, 1-based): chr14:21,400,536, A duplicated on the plus strand (T on the coding strand, the reverse complement: CHD8 is on the minus strand); the first of 3 consecutive A bases (chr14:21,400,536-21,400,538); duplicating any one gives the same sequence. VCF-style (leftmost placement, unchanged base first): chr14-21400535-C-CA. GRCh37 (hg19) VCF-style: chr14-21868694-C-CA.
Other names: c.3610dup, p.Cys1204fs (NM_020920.4); short protein forms C1204fs, C1483fs.
Identifiers: ClinVar variation 4294510 (VCV004294510.1).